The following is an entry in ClinVar:

ClinVar aggregate classification (germline): Uncertain significance. Review status: criteria provided, multiple submitters, no conflicts (2 of 4 stars). 3 submissions from 3 submitters: Uncertain significance (3). Last evaluated 2024-04-29.

Conditions:
Malignant hyperthermia, susceptibility to, 5 (MHS5). Also called: CACNA1S-Related Malignant Hyperthermia Susceptibility. Identifiers: Orphanet 423, MedGen C1866077, MONDO:0011163, OMIM 601887.
Congenital myopathy 18. Also called: DIHYDROPYRIDINE RECEPTOR CONGENITAL MYOPATHY; DHPR CONGENITAL MYOPATHY; Myopathy, congenital, due to dihydropyridine receptor defect. Identifiers: MedGen C5830283, MONDO:0859514, OMIM 620246.
Thyrotoxic periodic paralysis, susceptibility to, 1 (TTPP1). Identifiers: Orphanet 79102, MedGen C2749982, MONDO:0008570, OMIM 188580.
Hypokalemic periodic paralysis, type 1. Also called: HypoPP; Hypokalemic Periodic Paralysis Type 1 (AD). Identifiers: Orphanet 681, MedGen C3714580, MONDO:0042979, OMIM 170400.

Allele frequency attached by ClinVar (database versions not stated): gnomAD 0.00001.
gnomAD v4.1: 2 of 1,613,506 alleles (0.00012%); highest among the groups gnomAD compares: Non-Finnish European, 0.000085%; no homozygotes.

Submissions (3):

Fulgent Genetics
Classification: Uncertain significance for Hypokalemic periodic paralysis, type 1; Thyrotoxic periodic paralysis, susceptibility to, 1; Malignant hyperthermia, susceptibility to, 5; Congenital myopathy 18. Last evaluated: 2024-04-29. Review status: criteria provided, single submitter. Criteria: ACMG Guidelines, 2015. Collection method: clinical testing. Allele origin: germline.

All of Us Research Program, National Institutes of Health
Classification: Uncertain significance for Malignant hyperthermia, susceptibility to, 5. Last evaluated: 2023-06-26. Review status: criteria provided, single submitter. Criteria: ACMG Guidelines, 2015. Collection method: clinical testing. Allele origin: germline. Inheritance: Autosomal dominant inheritance. Observed: 1 variant allele, 1 heterozygote.
Comment: This missense variant replaces glycine with serine at codon 970 of the CACNA1S protein. Computational prediction suggests that this variant may have deleterious impact on protein structure and function (internally defined REVEL score threshold >= 0.7, PMID: 27666373). To our knowledge, functional studies have not been reported for this variant. This variant has not been reported in individuals affected with CACNA1S-related disorders in the literature. This variant has been identified in 1/31356 chromosomes in the general population by the Genome Aggregation Database (gnomAD). The available evidence is insufficient to determine the role of this variant in disease conclusively. Therefore, this variant is classified as a Variant of Uncertain Significance.

This study involves interpretation of variants in research participants for the purpose of population health screening. Participant phenotype was not available at the time of variant classification. Additional details can be found in publication PMID: 35346344, PMCID: PMC8962531

Color Diagnostics, LLC DBA Color Health
Classification: Uncertain significance for Malignant hyperthermia, susceptibility to, 5. Last evaluated: 2023-05-08. Review status: criteria provided, single submitter. Criteria: ACMG Guidelines, 2015. Collection method: clinical testing. Allele origin: germline.
Comment: This missense variant replaces glycine with serine at codon 970 of the CACNA1S protein. Computational prediction suggests that this variant may have deleterious impact on protein structure and function (internally defined REVEL score threshold >= 0.7, PMID: 27666373). To our knowledge, functional studies have not been reported for this variant. This variant has not been reported in individuals affected with CACNA1S-related disorders in the literature. This variant has been identified in 1/31356 chromosomes in the general population by the Genome Aggregation Database (gnomAD). The available evidence is insufficient to determine the role of this variant in disease conclusively. Therefore, this variant is classified as a Variant of Uncertain Significance.

NM_000069.3(CACNA1S):c.2908G>A (p.Gly970Ser)

Gene: CACNA1S (calcium voltage-gated channel subunit alpha1 S; minus strand). Cytogenetic location: 1q32.1.
Variant type: single nucleotide variant.
Coding change: c.2908G>A on transcript NM_000069.3 (MANE Select); coding-DNA position 2908, G replaced by A.
Protein change: p.Gly970Ser; replaces glycine 970 with serine.
Molecular consequence: missense variant.
Genome position (GRCh38, 1-based): chr1:201,062,089, C>T on the plus strand (G>A on the coding strand, the complement: CACNA1S is on the minus strand). VCF-style: chr1-201062089-C-T. GRCh37 (hg19) VCF-style: chr1-201031217-C-T.
Other names: short protein forms G970S.
Identifiers: ClinVar variation 2775012 (VCV002775012.4), dbSNP rs1332760098, ClinGen allele CA344163806.